The following is an entry in ClinVar:

ClinVar aggregate classification (germline): Uncertain significance. Review status: criteria provided, multiple submitters, no conflicts (2 of 4 stars). 14 submissions from 13 submitters: Uncertain significance (12). 2 of the submissions do not count toward it. Last evaluated 2026-02-11.

Conditions:
Breast and/or ovarian cancer. Identifiers: MedGen CN221562.
Hereditary cancer-predisposing syndrome. Also called: Tumor predisposition; Hereditary Cancer Syndrome; Hereditary neoplastic syndrome; Neoplastic Syndromes, Hereditary. Identifiers: Orphanet 140162, MedGen C0027672, MeSH D009386, MONDO:0015356.
Ovarian cancer. Also called: OVARIAN CANCER, SOMATIC. Identifiers: Orphanet 213500, MedGen C1140680, MONDO:0008170, OMIM 167000.
Familial cancer of breast. Also called: BREAST CANCER, FAMILIAL; hereditary breast carcinoma; Hereditary breast cancer. Identifiers: Orphanet 227535, MedGen C0346153, MONDO:0016419, OMIM 114480. Disease mechanism: loss of function.
Fanconi anemia complementation group J. Also called: BRIP1-Related Fanconi Anemia. Identifiers: Orphanet 84, MedGen C1836860, MONDO:0012187, OMIM 609054.

Submissions (14):

St. Jude Molecular Pathology, St. Jude Children's Research Hospital
Classification: Uncertain significance for Familial cancer of breast. Last evaluated: 2026-02-11. Review status: criteria provided, single submitter. Criteria: St. Jude Assertion Criteria 2020. Collection method: clinical testing. Allele origin: germline.
Comment: The BRIP1 c.258_269del p.(Cys87_Cys90del) change deletes twelve nucleotides at position 258-269 resulting in an in-frame deletion of four amino acid residues. This variant has a maximum subpopulation frequency of 0.005% in gnomAD v2.1.1. To our knowledge, this variant has not been reported in individuals with BRIP1-associated conditions. In summary, the evidence currently available is insufficient to determine the clinical significance of this variant. It has therefore been classified as of uncertain significance.

Labcorp Genetics (formerly Invitae), Labcorp
Classification: Uncertain significance for Familial cancer of breast; Fanconi anemia complementation group J. Last evaluated: 2025-12-22. Review status: criteria provided, single submitter. Criteria: Invitae Variant Classification Sherloc (09022015). Collection method: clinical testing. Allele origin: germline.
Comment: This variant, c.258_269del, results in the deletion of 4 amino acid(s) of the BRIP1 protein (p.Cys87_Cys90del), but otherwise preserves the integrity of the reading frame. This variant is present in population databases (rs730881648, gnomAD 0.005%). This variant has been observed in individual(s) with a personal and/or family history of cancer (PMID: 17033622, 25318351, 34326862). This variant is also known as c.254del12 . ClinVar contains an entry for this variant (Variation ID: 182370). Experimental studies and prediction algorithms are not available or were not evaluated, and the functional significance of this variant is currently unknown. In summary, the available evidence is currently insufficient to determine the role of this variant in disease. Therefore, it has been classified as a Variant of Uncertain Significance.

Quest Diagnostics Nichols Institute San Juan Capistrano
Classification: Uncertain significance. Last evaluated: 2025-06-23. Review status: criteria provided, single submitter. Criteria: Quest Diagnostics criteria. Collection method: clinical testing. Allele origin: unknown.
Comment: The BRIP1 c.258_269del (p.Cys87_Cys90del) variant has been reported in the published literature in an individual with an unspecified personal and/or family history of cancer (PMID: 25318351 (2014)), and in co-occurrence with a pathogenic variant in a breast cancer patient (PMID: 34326862 (2021)). The frequency of this variant in the general population (Genome Aggregation Database) is uninformative in the assessment of its pathogenicity. Based on the available information, we are unable to determine the clinical significance of this variant.

Color Diagnostics, LLC DBA Color Health
Classification: Uncertain significance for Hereditary cancer-predisposing syndrome. Last evaluated: 2025-03-17. Review status: criteria provided, single submitter. Criteria: ACMG Guidelines, 2015. Collection method: clinical testing. Allele origin: germline.
Comment: This variant causes a deletion of 4 amino acids at codons 87-90 of the BRIP1 protein. To our knowledge, functional studies have not been reported for this variant. This variant has been reported in an individual with a personal and/or family history of cancer (PMID: 25318351). This variant has been identified in 6/282842 chromosomes in the general population by the Genome Aggregation Database (gnomAD). The available evidence is insufficient to determine the role of this variant in disease conclusively. Therefore, this variant is classified as a Variant of Uncertain Significance.

Center for Genomic Medicine, Rigshospitalet, Copenhagen University Hospital
Classification: Uncertain significance. Last evaluated: 2025-03-04. Review status: criteria provided, single submitter. Criteria: ACMG Guidelines, 2015. Collection method: clinical testing. Allele origin: germline.

Fulgent Genetics
Classification: Uncertain significance for Familial cancer of breast; Fanconi anemia complementation group J. Last evaluated: 2024-06-18. Review status: criteria provided, single submitter. Criteria: ACMG Guidelines, 2015. Collection method: clinical testing. Allele origin: germline.

Women's Health and Genetics/Laboratory Corporation of America, LabCorp
Classification: Uncertain significance. Last evaluated: 2024-04-18. Review status: criteria provided, single submitter. Criteria: LabCorp Variant Classification Summary - May 2015. Collection method: clinical testing. Allele origin: germline.
Comment: Variant summary: BRIP1 c.258_269del12 (p.Cys87_Cys90del) results in an in-frame deletion that is predicted to remove 4 amino acids in the Helicase-like, DEXD box c2 type domain (IPR006554) from the encoded protein. The variant allele was found at a frequency of 1.2e-05 in 251446 control chromosomes. The available data on variant occurrences in the general population are insufficient to allow any conclusion about variant significance. c.258_269del12 has been reported in the literature in one individual affected with Breast Cancer and another individual undertaking inherited cancer gene testing (Yorczyk_2015, Seal_2006). These report(s) do not provide unequivocal conclusions about association of the variant with Breast Cancer. Co-occurrences with other pathogenic variant(s) have been reported (ATM c.5890A>T, p.Lys1964*), providing supporting evidence for a benign role (Bhai_2021). To our knowledge, no experimental evidence demonstrating an impact on protein function has been reported. The following publications have been ascertained in the context of this evaluation (PMID: 34326862, 17033622, 25318351). ClinVar contains an entry for this variant (Variation ID: 182370). Based on the evidence outlined above, the variant was classified as uncertain significance.

Baylor Genetics
Classification: Uncertain significance for Familial cancer of breast. Last evaluated: 2024-03-14. Review status: criteria provided, single submitter. Criteria: ACMG Guidelines, 2015. Collection method: clinical testing. Allele origin: unknown.

Ambry Genetics
Classification: Uncertain significance for Hereditary cancer-predisposing syndrome. Last evaluated: 2024-01-30. Review status: criteria provided, single submitter. Criteria: Ambry Variant Classification Scheme 2023. Collection method: clinical testing. Allele origin: germline.
Comment: The c.258_269del12 variant (also known as p.C87_C90del) is located in coding exon 3 of the BRIP1 gene. This variant results from an in-frame TTGTTGTGCATG deletion at nucleotide positions 258 to 269. This results in the in-frame deletion of four amino acid residues at codons 87 to 90. This variant has been reported in one of 105 individuals undergoing multigene panel testing for cancer susceptibility (Yorczyk A et al. Clin Genet, 2015 Sep;88:278-82). This variant was identified in a patient with breast cancer as part of a large Canadian cohort study of 2870 individuals (Bhai P et al. Front Genet, 2021 Jul;12:698595). This amino acid region is well conserved in available vertebrate species. Based on data from gnomAD, the c.258_269del12 allele has an overall frequency of 0.002121% (6/282842) total alleles studied. The highest observed frequency was 0.01181% (6/50800) of North-western European alleles. Based on the available evidence, the clinical significance of this alteration remains unclear.

GeneDx
Classification: Uncertain significance. Last evaluated: 2023-08-11. Review status: criteria provided, single submitter. Criteria: GeneDx Variant Classification Process June 2021. Collection method: clinical testing. Allele origin: germline. Affected: yes.
Comment: In-frame deletion of four amino acids in a non-repeat region; Observed in an individual with rectal cancer (PMID: 29596542); In silico analysis, which includes protein predictors and evolutionary conservation, supports a deleterious effect; This variant is associated with the following publications: (PMID: 25186949, 25318351, 29596542)

CHEO Genetics Diagnostic Laboratory, Children's Hospital of Eastern Ontario
Classification: Uncertain significance for Breast and/or ovarian cancer. Last evaluated: 2023-06-01. Review status: criteria provided, single submitter. Criteria: ACMG Guidelines, 2015. Collection method: clinical testing. Allele origin: germline.

Myriad Genetics, Inc.
Classification: Uncertain significance for Familial cancer of breast. Last evaluated: 2023-02-28. Review status: criteria provided, single submitter. Criteria: Myriad Autosomal Dominant, Autosomal Recessive and X-Linked Classification Criteria (2023). Collection method: clinical testing. Allele origin: unknown.
Comment: This variant is classified as a variant of uncertain significance as there is insufficient evidence to determine its impact on protein function and/or cancer risk.

Counsyl
Classification: Uncertain significance for Fanconi anemia complementation group J. Last evaluated: 2016-10-31. Review status: no assertion criteria provided. Collection method: clinical testing. Allele origin: unknown. Not counted in ClinVar's aggregate classification.

Counsyl
Classification: Uncertain significance for Ovarian cancer. Last evaluated: 2016-10-31. Review status: no assertion criteria provided. Collection method: clinical testing. Allele origin: unknown. Not counted in ClinVar's aggregate classification.

Literature cited by the submitters: PubMed 17033622 (cited by Labcorp Genetics (formerly Invitae), Labcorp and Women's Health and Genetics/Laboratory Corporation of America, LabCorp); PubMed 25318351 (cited by 7 submitters); PubMed 34326862 (cited by 4 submitters); PubMed 29596542 (cited by Quest Diagnostics Nichols Institute San Juan Capistrano and Center for Genomic Medicine, Rigshospitalet, Copenhagen University Hospital).

NM_032043.3(BRIP1):c.258_269del (p.Cys87_Cys90del)

Gene: BRIP1 (BRCA1 interacting DNA helicase 1; minus strand). Cytogenetic location: 17q23.2.
Variant type: Deletion.
Coding change: c.258_269del on transcript NM_032043.3 (MANE Select); coding-DNA positions 258 to 269, 12 bases deleted (TTGTTGTGCATG).
Protein change: p.Cys87_Cys90del.
Molecular consequence: inframe deletion.
Genome position (GRCh38, 1-based): chr17:61,857,168-61,857,179, CATGCACAACAA deleted on the plus strand (TTGTTGTGCATG on the coding strand, the reverse complement: BRIP1 is on the minus strand); deleting any 12 consecutive bases within chr17:61,857,168-61,857,183 gives the same sequence; the c. name uses the placement nearest the transcript's 3' end. VCF-style (leftmost placement, unchanged base first): chr17-61857167-GCATGCACAACAA-G. GRCh37 (hg19) VCF-style: chr17-59934528-GCATGCACAACAA-G.
Other names: c.258_269delTTGTTGTGCATG (NM_032043.2, NM_032043.3); c.258_269del12 (NM_032043.3).
Identifiers: ClinVar variation 182370 (VCV000182370.43), dbSNP rs730881648, ClinGen allele CA298925.